The following is an entry in ClinVar:

ClinVar aggregate classification (germline): Uncertain significance (1 of 4 stars; one submission).

Conditions:
Familial acute necrotizing encephalopathy (IIAE3). Also called: ENCEPHALOPATHY, ACUTE, INFECTION-INDUCED, SUSCEPTIBILITY TO, 3; Susceptibility to Acute Necrotizing Encephalopathy 1. Identifiers: Orphanet 88619, MedGen C2675556, MONDO:0011953, OMIM 608033.

Allele frequency attached by ClinVar (database versions not stated): gnomAD exomes 0.00001 and 0.00002; ExAC 0.00002; TOPMed 0.00005; gnomAD 0.00006; ESP Exome Variant Server 0.00015.
gnomAD v4.1: 24 of 1,613,690 alleles (0.0015%); highest among the groups gnomAD compares: African/African-American, 0.027%; no homozygotes.

Submission:

Labcorp Genetics (formerly Invitae), Labcorp
Classification: Uncertain significance for Familial acute necrotizing encephalopathy. Last evaluated: 2024-03-04. Review status: criteria provided, single submitter. Criteria: Invitae Variant Classification Sherloc (09022015). Collection method: clinical testing. Allele origin: germline.
Comment: This sequence change replaces histidine, which is basic and polar, with tyrosine, which is neutral and polar, at codon 1162 of the RANBP2 protein (p.His1162Tyr). This variant is present in population databases (rs143175615, gnomAD 0.01%). This variant has not been reported in the literature in individuals affected with RANBP2-related conditions. ClinVar contains an entry for this variant (Variation ID: 939576). An algorithm developed to predict the effect of missense changes on protein structure and function (PolyPhen-2) suggests that this variant is likely to be tolerated. In summary, the available evidence is currently insufficient to determine the role of this variant in disease. Therefore, it has been classified as a Variant of Uncertain Significance.

NM_006267.5(RANBP2):c.3484C>T (p.His1162Tyr)

Gene: RANBP2 (RAN binding protein 2; plus strand). Cytogenetic location: 2q13.
Variant type: single nucleotide variant.
Coding change: c.3484C>T on transcript NM_006267.5 (MANE Select); coding-DNA position 3484, C replaced by T.
Protein change: p.His1162Tyr; replaces histidine 1162 with tyrosine.
Molecular consequence: missense variant.
Genome position (GRCh38, 1-based): chr2:108,764,023, C>T. VCF-style: chr2-108764023-C-T. GRCh37 (hg19) VCF-style: chr2-109380479-C-T.
Other names: short protein forms H1162Y.
Identifiers: ClinVar variation 939576 (VCV000939576.10), dbSNP rs143175615, ClinGen allele CA1822958.